The following is an entry in ClinVar:

NM_006767.4(LZTR1):c.1252A>T (p.Arg418Trp)

Gene: LZTR1 (leucine zipper like post translational regulator 1; plus strand). Cytogenetic location: 22q11.21.
Variant type: single nucleotide variant.
Coding change: c.1252A>T on transcript NM_006767.4 (MANE Select); coding-DNA position 1252, A replaced by T.
Protein change: p.Arg418Trp; replaces arginine 418 with tryptophan.
Molecular consequence: missense variant.
Genome position (GRCh38, 1-based): chr22:20,992,896, A>T. VCF-style: chr22-20992896-A-T. GRCh37 (hg19) VCF-style: chr22-21347185-A-T.
Other names: short protein forms R418W.
Identifiers: ClinVar variation 3238044 (VCV003238044.1), dbSNP rs2518618974.

ClinVar aggregate classification (germline): Uncertain significance (1 of 4 stars; one submission).

Conditions:
Hereditary cancer-predisposing syndrome. Also called: Neoplastic Syndromes, Hereditary; Tumor predisposition; Hereditary neoplastic syndrome; Hereditary Cancer Syndrome. Identifiers: Orphanet 140162, MedGen C0027672, MeSH D009386, MONDO:0015356.
Cardiovascular phenotype. Identifiers: MedGen CN230736.

gnomAD v4.1: 1 of 1,596,928 alleles (0.000063%); no homozygotes.

Submission:

Ambry Genetics
Classification: Uncertain significance for Cardiovascular phenotype; Hereditary cancer-predisposing syndrome. Last evaluated: 2023-12-18. Review status: criteria provided, single submitter. Criteria: Ambry Variant Classification Scheme 2023. Collection method: clinical testing. Allele origin: germline.
Comment: The p.R418W variant (also known as c.1252A>T), located in coding exon 11 of the LZTR1 gene, results from an A to T substitution at nucleotide position 1252. The arginine at codon 418 is replaced by tryptophan, an amino acid with dissimilar properties. This amino acid position is conserved. In addition, the in silico prediction for this alteration is inconclusive. Since supporting evidence is limited at this time, the clinical significance of this alteration remains unclear.